The following is an entry in ClinVar:

ClinVar aggregate classification (germline): Uncertain significance (1 of 4 stars; one submission).

Conditions:
Gorlin syndrome. Also called: Nevoid Basal Cell Carcinoma Syndrome; Basal cell nevus syndrome. Identifiers: Orphanet 377, MedGen C0004779, MONDO:0007187.

Submission:

Labcorp Genetics (formerly Invitae), Labcorp
Classification: Uncertain significance for Gorlin syndrome. Last evaluated: 2024-06-11. Review status: criteria provided, single submitter. Criteria: Invitae Variant Classification Sherloc (09022015). Collection method: clinical testing. Allele origin: germline.
Comment: This sequence change replaces threonine, which is neutral and polar, with proline, which is neutral and non-polar, at codon 768 of the PTCH1 protein (p.Thr768Pro). This variant is not present in population databases (gnomAD no frequency). This variant has not been reported in the literature in individuals affected with PTCH1-related conditions. Advanced modeling of protein sequence and biophysical properties (such as structural, functional, and spatial information, amino acid conservation, physicochemical variation, residue mobility, and thermodynamic stability) performed at Invitae indicates that this missense variant is not expected to disrupt PTCH1 protein function with a negative predictive value of 95%. In summary, the available evidence is currently insufficient to determine the role of this variant in disease. Therefore, it has been classified as a Variant of Uncertain Significance.

NM_000264.5(PTCH1):c.2302A>C (p.Thr768Pro)

Genes: PTCH1 (patched 1; minus strand), LOC100507346 (uncharacterized LOC100507346; plus strand). Cytogenetic location: 9q22.32.
Variant type: single nucleotide variant.
Coding change: c.2302A>C on transcript NM_000264.5 (MANE Select); coding-DNA position 2302, A replaced by C.
Protein change: p.Thr768Pro; replaces threonine 768 with proline.
Molecular consequence: missense variant. On other transcripts: non-coding transcript variant (1).
Genome position (GRCh38, 1-based): chr9:95,467,374, T>G on the plus strand (A>C on the coding strand, the complement: PTCH1 is on the minus strand). VCF-style: chr9-95467374-T-G. GRCh37 (hg19) VCF-style: chr9-98229656-T-G.
Other names: c.2104A>C, p.Thr702Pro (NM_001083602.3); c.2299A>C, p.Thr767Pro (NM_001083603.3); c.1849A>C, p.Thr617Pro (NM_001083604.3, NM_001083605.3, NM_001083606.3 and 1 more transcripts); c.2146A>C, p.Thr716Pro (NM_001354918.2); short protein forms T617P, T716P, T702P, T767P, T768P.
Identifiers: ClinVar variation 3635847 (VCV003635847.2).